The following is an entry in ClinVar:

NM_001382508.1(DROSHA):c.1911G>A (p.Pro637=)

Gene: DROSHA (drosha ribonuclease III; minus strand). Cytogenetic location: 5p13.3.
Variant type: single nucleotide variant.
Coding change: c.1911G>A on transcript NM_001382508.1 (MANE Select); coding-DNA position 1911, G replaced by A.
Protein change: p.Pro637=; no amino-acid change (proline 637 retained).
Molecular consequence: synonymous variant.
Genome position (GRCh38, 1-based): chr5:31,486,494, C>T on the plus strand (G>A on the coding strand, the complement: DROSHA is on the minus strand). VCF-style: chr5-31486494-C-T. GRCh37 (hg19) VCF-style: chr5-31486601-C-T.
Other names: c.1800G>A, p.Pro600= (NM_001100412.2); c.1911G>A, p.Pro637= (NM_013235.5).
Identifiers: ClinVar variation 3351625 (VCV003351625.1).

ClinVar aggregate classification (germline): Likely benign (0 of 4 stars; one submission).

Conditions:
DROSHA-related disorder. Also called: DROSHA-related condition.

gnomAD v4.1: 16 of 1,613,494 alleles (0.00099%); highest among the groups gnomAD compares: Middle Eastern, 0.017%; no homozygotes.

Submission:

PreventionGenetics, part of Exact Sciences
Classification: Likely benign for DROSHA-related condition. Last evaluated: 2024-03-06. Review status: no assertion criteria provided. Collection method: clinical testing. Allele origin: germline.
Comment: This variant is classified as likely benign based on ACMG/AMP sequence variant interpretation guidelines (Richards et al. 2015 PMID: 25741868, with internal and published modifications).